The following is an entry in ClinVar:

ClinVar aggregate classification (germline): Conflicting classifications of pathogenicity. Review status: criteria provided, conflicting classifications (1 of 4 stars). 2 submissions from 2 submitters: Uncertain significance (1); Likely benign (1). Last evaluated 2025-07-24.

Allele frequency attached by ClinVar (database versions not stated): gnomAD exomes 0.00001.
gnomAD v4.1: 6 of 1,599,510 alleles (0.00038%); highest among the groups gnomAD compares: Admixed American, 0.005%; no homozygotes.

Submissions (2):

GeneDx
Classification: Uncertain significance. Last evaluated: 2025-07-24. Review status: criteria provided, single submitter. Criteria: GeneDx Variant Classification Process June 2021. Collection method: clinical testing. Allele origin: germline. Affected: yes.
Comment: In silico analysis suggests that this variant does not alter splicing; Has not been previously published as pathogenic or benign to our knowledge

Labcorp Genetics (formerly Invitae), Labcorp
Classification: Likely benign. Last evaluated: 2025-02-17. Review status: criteria provided, single submitter. Criteria: Invitae Variant Classification Sherloc (09022015). Collection method: clinical testing. Allele origin: germline.

NM_001844.5(COL2A1):c.3600T>G (p.Gly1200=)

Gene: COL2A1 (collagen type II alpha 1 chain; minus strand). Cytogenetic location: 12q13.11.
Variant type: single nucleotide variant.
Coding change: c.3600T>G on transcript NM_001844.5 (MANE Select); coding-DNA position 3600, T replaced by G.
Protein change: p.Gly1200=; no amino-acid change (glycine 1200 retained).
Molecular consequence: synonymous variant.
Genome position (GRCh38, 1-based): chr12:47,975,603, A>C on the plus strand (T>G on the coding strand, the complement: COL2A1 is on the minus strand). VCF-style: chr12-47975603-A-C. GRCh37 (hg19) VCF-style: chr12-48369386-A-C.
Other names: c.3393T>G, p.Gly1131= (NM_033150.3); c.3600T>G (NM_001844.4).
Identifiers: ClinVar variation 1665356 (VCV001665356.9), dbSNP rs1284336050, ClinGen allele CA479697119.